The following is an entry in ClinVar:

ClinVar aggregate classification (germline): Pathogenic (1 of 4 stars; one submission).

Conditions:
Progressive sclerosing poliodystrophy (MTDPS4A). Also called: Mitochondrial DNA depletion syndrome 4A (Alpers type); Alpers Syndrome; ALPERS DIFFUSE DEGENERATION OF CEREBRAL GRAY MATTER WITH HEPATIC CIRRHOSIS; Alpers-Huttenlocher Syndrome; NEURONAL DEGENERATION OF CHILDHOOD WITH LIVER DISEASE, PROGRESSIVE; ALPERS PROGRESSIVE INFANTILE POLIODYSTROPHY. Identifiers: Orphanet 726, MedGen C0205710, MONDO:0008758, OMIM 203700.

Allele frequency attached by ClinVar (database versions not stated): gnomAD 0.00001; TOPMed 0.00001.
gnomAD v4.1: 2 of 1,548,958 alleles (0.00013%); highest among the groups gnomAD compares: Non-Finnish European, 0.000087%; no homozygotes.

Submission:

Laboratory of Inherited Metabolic Diseases, Research centre for medical genetics
Classification: Pathogenic for Progressive sclerosing poliodystrophy. Last evaluated: 2019-07-17. Review status: criteria provided, single submitter. Criteria: ACMG Guidelines, 2015. Collection method: clinical testing. Allele origin: maternal. Inheritance: Autosomal recessive inheritance. Affected: yes.
Comment: found in 2 unrelated patients with Alpers syndrome from Russia

found in 2 patients with Alpers syndrome in compound heterozygous with c.2243G>C (p.W748S)

NM_002693.3(POLG):c.75G>A (p.Trp25Ter)

Genes: POLG (DNA polymerase gamma, catalytic subunit; minus strand), POLGARF (POLG alternative reading frame; minus strand). Cytogenetic location: 15q26.1.
Variant type: single nucleotide variant.
Coding change: c.75G>A on transcript NM_002693.3 (MANE Select); coding-DNA position 75, G replaced by A.
Protein change: p.Trp25Ter; replaces tryptophan 25 with a stop codon.
Molecular consequence: nonsense.
Genome position (GRCh38, 1-based): chr15:89,333,680, C>T on the plus strand (G>A on the coding strand, the complement: POLG is on the minus strand). VCF-style: chr15-89333680-C-T. GRCh37 (hg19) VCF-style: chr15-89876911-C-T.
Other names: c.75G>A, p.Trp25Ter (NM_001126131.2); short protein forms W25*.
Identifiers: ClinVar variation 694427 (VCV000694427.1), dbSNP rs1021719232, ClinGen allele CA274566757.
Genomic context (GRCh38, chr15:89,333,680, plus strand): 5'-CTGCTGCTGCCGCCGCCGCTGCCCGTCGCTGGGGTCGGACGCGGGGACGGAGCTGGAGAC[C>T]CAGCGCCCCGGAGCTGGAACCGGCCCTGGCCCGACGGTGGCGCCGGCCACCTTCCTCCAG-3'